The following is an entry in ClinVar:

NM_004304.5(ALK):c.4165-1G>A

Gene: ALK (ALK receptor tyrosine kinase; minus strand). Cytogenetic location: 2p23.2.
Variant type: single nucleotide variant.
Coding change: c.4165-1G>A on transcript NM_004304.5 (MANE Select); the canonical splice acceptor site of the intron before coding-DNA position 4165, G replaced by A.
Molecular consequence: splice acceptor variant.
Genome position (GRCh38, 1-based): chr2:29,193,923, C>T on the plus strand (G>A on the coding strand, the complement: ALK is on the minus strand). VCF-style: chr2-29193923-C-T. GRCh37 (hg19) VCF-style: chr2-29416789-C-T.
Other names: c.961-1G>A (NM_001353765.2).
Identifiers: ClinVar variation 3014092 (VCV003014092.3), dbSNP rs2148139197, ClinGen allele CA346463692.

ClinVar aggregate classification (germline): Uncertain significance (1 of 4 stars; one submission).

Conditions:
Neuroblastoma, susceptibility to, 3. Also called: ALK-Related Neuroblastic Tumor Susceptibility. Identifiers: Orphanet 635, MedGen C2751681, MONDO:0013083, OMIM 613014.

Submission:

Labcorp Genetics (formerly Invitae), Labcorp
Classification: Uncertain significance for Neuroblastoma, susceptibility to, 3. Last evaluated: 2023-10-10. Review status: criteria provided, single submitter. Criteria: Invitae Variant Classification Sherloc (09022015). Collection method: clinical testing. Allele origin: germline.
Comment: This sequence change falls in intron 28 of the ALK gene. It does not directly change the encoded amino acid sequence of the ALK protein. It affects a nucleotide within the consensus splice site. This variant is not present in population databases (gnomAD no frequency). This variant has not been reported in the literature in individuals affected with ALK-related conditions. Variants that disrupt the consensus splice site are a relatively common cause of aberrant splicing (PMID: 17576681, 9536098). Algorithms developed to predict the effect of sequence changes on RNA splicing suggest that this variant may disrupt the consensus splice site. In summary, the available evidence is currently insufficient to determine the role of this variant in disease. Therefore, it has been classified as a Variant of Uncertain Significance.

Literature cited by the submitters: PubMed 17576681; PubMed 9536098.